The following is an entry in ClinVar:

ClinVar aggregate classification (germline): Uncertain significance. Review status: criteria provided, multiple submitters, no conflicts (2 of 4 stars). 3 submissions from 3 submitters: Uncertain significance (3). Last evaluated 2025-05-16.

Conditions:
Legius syndrome. Identifiers: Orphanet 137605, MedGen C1969623, MONDO:0012669, OMIM 611431. Disease mechanism: loss of function.
Cardiovascular phenotype. Identifiers: MedGen CN230736.

gnomAD v4.1: 2 of 1,613,926 alleles (0.00012%); highest among the groups gnomAD compares: Non-Finnish European, 0.00017%; no homozygotes.

Submissions (3):

Labcorp Genetics (formerly Invitae), Labcorp
Classification: Uncertain significance for Legius syndrome. Last evaluated: 2025-05-16. Review status: criteria provided, single submitter. Criteria: Invitae Variant Classification Sherloc (09022015). Collection method: clinical testing. Allele origin: germline.
Comment: This sequence change replaces arginine, which is basic and polar, with isoleucine, which is neutral and non-polar, at codon 174 of the SPRED1 protein (p.Arg174Ile). This variant is not present in population databases (gnomAD no frequency). This variant has not been reported in the literature in individuals affected with SPRED1-related conditions. ClinVar contains an entry for this variant (Variation ID: 1353047). Invitae Evidence Modeling of protein sequence and biophysical properties (such as structural, functional, and spatial information, amino acid conservation, physicochemical variation, residue mobility, and thermodynamic stability) indicates that this missense variant is not expected to disrupt SPRED1 protein function with a negative predictive value of 80%. In summary, the available evidence is currently insufficient to determine the role of this variant in disease. Therefore, it has been classified as a Variant of Uncertain Significance.

Ambry Genetics
Classification: Uncertain significance for Cardiovascular phenotype. Last evaluated: 2024-11-28. Review status: criteria provided, single submitter. Criteria: Ambry Variant Classification Scheme 2023. Collection method: clinical testing. Allele origin: germline.
Comment: The p.R174I variant (also known as c.521G>T), located in coding exon 5 of the SPRED1 gene, results from a G to T substitution at nucleotide position 521. The arginine at codon 174 is replaced by isoleucine, an amino acid with similar properties. This amino acid position is conserved. In addition, the in silico prediction for this alteration is inconclusive. Based on the available evidence, the clinical significance of this variant remains unclear.

Fulgent Genetics
Classification: Uncertain significance for Legius syndrome. Last evaluated: 2024-03-21. Review status: criteria provided, single submitter. Criteria: ACMG Guidelines, 2015. Collection method: clinical testing. Allele origin: germline.

NM_152594.3(SPRED1):c.521G>T (p.Arg174Ile)

Gene: SPRED1 (sprouty related EVH1 domain containing 1; plus strand). Cytogenetic location: 15q14.
Variant type: single nucleotide variant.
Coding change: c.521G>T on transcript NM_152594.3 (MANE Select); coding-DNA position 521, G replaced by T.
Protein change: p.Arg174Ile; replaces arginine 174 with isoleucine.
Molecular consequence: missense variant.
Genome position (GRCh38, 1-based): chr15:38,339,834, G>T. VCF-style: chr15-38339834-G-T. GRCh37 (hg19) VCF-style: chr15-38632035-G-T.
Other names: c.521G>T (NM_152594.2); short protein forms R174I.
Identifiers: ClinVar variation 1353047 (VCV001353047.8), dbSNP rs2141007899, ClinGen allele CA391932613.